The following is an entry in ClinVar:

ClinVar aggregate classification (germline): Uncertain significance (1 of 4 stars; one submission).

Allele frequency attached by ClinVar (database versions not stated): gnomAD exomes below 0.00001; TOPMed below 0.00001; gnomAD 0.00001; ExAC 0.00002; ESP Exome Variant Server 0.00008.
gnomAD v4.1: 6 of 1,613,740 alleles (0.00037%); highest among the groups gnomAD compares: African/African-American, 0.0013%; no homozygotes.

Submission:

Labcorp Genetics (formerly Invitae), Labcorp
Classification: Uncertain significance. Last evaluated: 2022-08-17. Review status: criteria provided, single submitter. Criteria: Invitae Variant Classification Sherloc (09022015). Collection method: clinical testing. Allele origin: germline.
Comment: This sequence change replaces isoleucine, which is neutral and non-polar, with valine, which is neutral and non-polar, at codon 930 of the KMT2E protein (p.Ile930Val). This variant is present in population databases (rs375372514, gnomAD 0.007%). This variant has not been reported in the literature in individuals affected with KMT2E-related conditions. Algorithms developed to predict the effect of missense changes on protein structure and function (SIFT, PolyPhen-2, Align-GVGD) all suggest that this variant is likely to be tolerated. In summary, the available evidence is currently insufficient to determine the role of this variant in disease. Therefore, it has been classified as a Variant of Uncertain Significance.

NM_182931.3(KMT2E):c.2788A>G (p.Ile930Val)

Gene: KMT2E (lysine methyltransferase 2E (inactive); plus strand). Cytogenetic location: 7q22.3.
Variant type: single nucleotide variant.
Coding change: c.2788A>G on transcript NM_182931.3 (MANE Select); coding-DNA position 2788, A replaced by G.
Protein change: p.Ile930Val; replaces isoleucine 930 with valine.
Molecular consequence: missense variant.
Genome position (GRCh38, 1-based): chr7:105,106,713, A>G. VCF-style: chr7-105106713-A-G. GRCh37 (hg19) VCF-style: chr7-104747160-A-G.
Other names: c.2788A>G, p.Ile930Val (NM_001410908.1, NM_018682.4); short protein forms I930V.
Identifiers: ClinVar variation 2092402 (VCV002092402.4), dbSNP rs375372514, ClinGen allele CA4424306.